The following is an entry in ClinVar:

ClinVar aggregate classification (germline): Uncertain significance. Review status: criteria provided, multiple submitters, no conflicts (2 of 4 stars). 2 submissions from 2 submitters: Uncertain significance (2). Last evaluated 2026-01-23.

Conditions:
Hypertrophic cardiomyopathy. Also called: HYPERTROPHIC MYOCARDIOPATHY. Identifiers: Orphanet 217569, MedGen C0007194, MeSH D002312, MONDO:0005045, HP:0001639.
Cardiovascular phenotype. Identifiers: MedGen CN230736.

Allele frequency attached by ClinVar (database versions not stated): gnomAD exomes below 0.00001.
gnomAD v4.1: 2 of 1,613,166 alleles (0.00012%); highest among the groups gnomAD compares: Non-Finnish European, 0.00017%; no homozygotes.

Submissions (2):

Ambry Genetics
Classification: Uncertain significance for Cardiovascular phenotype. Last evaluated: 2026-01-23. Review status: criteria provided, single submitter. Criteria: Ambry Variant Classification Scheme 2023. Collection method: clinical testing. Allele origin: germline.
Comment: The p.A1262T variant (also known as c.3784G>A), located in coding exon 33 of the MYBPC3 gene, results from a G to A substitution at nucleotide position 3784. The alanine at codon 1262 is replaced by threonine, an amino acid with similar properties. This variant was reported in individual(s) with features consistent with hypertrophic cardiomyopathy (Mazzarotto F et al. Genet Med, 2019 Feb;21:284-292). This amino acid position is not well conserved in available vertebrate species. In addition, this alteration is predicted to be tolerated by in silico analysis. Based on the available evidence, the clinical significance of this variant remains unclear.

Labcorp Genetics (formerly Invitae), Labcorp
Classification: Uncertain significance for Hypertrophic cardiomyopathy. Last evaluated: 2022-09-07. Review status: criteria provided, single submitter. Criteria: Invitae Variant Classification Sherloc (09022015). Collection method: clinical testing. Allele origin: germline.
Comment: In summary, the available evidence is currently insufficient to determine the role of this variant in disease. Therefore, it has been classified as a Variant of Uncertain Significance. Algorithms developed to predict the effect of missense changes on protein structure and function are either unavailable or do not agree on the potential impact of this missense change (SIFT: "Tolerated"; PolyPhen-2: "Possibly Damaging"; Align-GVGD: "Class C0"). This variant has not been reported in the literature in individuals affected with MYBPC3-related conditions. This variant is not present in population databases (gnomAD no frequency). This sequence change replaces alanine, which is neutral and non-polar, with threonine, which is neutral and polar, at codon 1262 of the MYBPC3 protein (p.Ala1262Thr).

Literature cited by the submitters: PubMed 29875424 (cited by Ambry Genetics).

NM_000256.3(MYBPC3):c.3784G>A (p.Ala1262Thr)

Gene: MYBPC3 (myosin binding protein C3; minus strand). Cytogenetic location: 11p11.2.
Variant type: single nucleotide variant.
Coding change: c.3784G>A on transcript NM_000256.3 (MANE Select); coding-DNA position 3784, G replaced by A.
Protein change: p.Ala1262Thr; replaces alanine 1262 with threonine.
Molecular consequence: missense variant.
Genome position (GRCh38, 1-based): chr11:47,332,102, C>T on the plus strand (G>A on the coding strand, the complement: MYBPC3 is on the minus strand). VCF-style: chr11-47332102-C-T. GRCh37 (hg19) VCF-style: chr11-47353653-C-T.
Other names: short protein forms A1262T.
Identifiers: ClinVar variation 2017614 (VCV002017614.5), dbSNP rs2495736049, ClinGen allele CA380310530.